The following is an entry in ClinVar:

NM_003403.5(YY1):c.727A>G (p.Ile243Val)

Gene: YY1 (YY1 transcription factor; plus strand). Cytogenetic location: 14q32.2.
Variant type: single nucleotide variant.
Coding change: c.727A>G on transcript NM_003403.5 (MANE Select); coding-DNA position 727, A replaced by G.
Protein change: p.Ile243Val; replaces isoleucine 243 with valine.
Molecular consequence: missense variant.
Genome position (GRCh38, 1-based): chr14:100,262,351, A>G. VCF-style: chr14-100262351-A-G. GRCh37 (hg19) VCF-style: chr14-100728688-A-G.
Other names: short protein forms I243V.
Identifiers: ClinVar variation 1675548 (VCV001675548.34), dbSNP rs200352133, ClinGen allele CA7344064.
Genomic context (GRCh38, chr14:100,262,351, plus strand): 5'-TGATGTGTTTCAGATGAAAAAAAAGATATTGACCATGAGACAGTGGTTGAAGAACAGATC[A>G]TTGGAGAGAACTCACCTCCTGATTATTCAGAATATATGACAGGAAAGAAACTTCCTCCTG-3'
Protein context (NP_003394.1, residues 233-253): DHETVVEEQI[Ile243Val]GENSPPDYSE

ClinVar aggregate classification (germline): Conflicting classifications of pathogenicity. Review status: criteria provided, conflicting classifications (1 of 4 stars). 2 submissions from 2 submitters: Uncertain significance (1); Likely benign (1). Last evaluated 2024-10-11.

Allele frequency attached by ClinVar (database versions not stated): gnomAD exomes 0.00007 and 0.00009; ExAC 0.00008; TOPMed 0.00011; gnomAD 0.00013 and 0.00014; ESP Exome Variant Server 0.00023.
gnomAD v4.1: 154 of 1,613,976 alleles (0.0095%); highest among the groups gnomAD compares: Non-Finnish European, 0.012%; no homozygotes.

Submissions (2):

Blueprint Genetics
Classification: Likely benign. Last evaluated: 2024-10-11. Review status: criteria provided, single submitter. Criteria: ACMG Guidelines, 2015. Collection method: clinical testing. Allele origin: germline.

CeGaT Center for Human Genetics Tuebingen
Classification: Uncertain significance. Last evaluated: 2023-12-01. Review status: criteria provided, single submitter. Criteria: CeGaT Center For Human Genetics Tuebingen Variant Classification Criteria Version 2. Collection method: clinical testing. Allele origin: germline. Affected: yes. Observed: 3 variant alleles.
Comment: YY1: PP2